The following is an entry in ClinVar:

NM_013275.6(ANKRD11):c.2523G>A (p.Trp841Ter)

Gene: ANKRD11 (ankyrin repeat domain 11; minus strand). Cytogenetic location: 16q24.3.
Variant type: single nucleotide variant.
Coding change: c.2523G>A on transcript NM_013275.6 (MANE Select); coding-DNA position 2523, G replaced by A.
Protein change: p.Trp841Ter; replaces tryptophan 841 with a stop codon.
Molecular consequence: nonsense.
Genome position (GRCh38, 1-based): chr16:89,284,019, C>T on the plus strand (G>A on the coding strand, the complement: ANKRD11 is on the minus strand). VCF-style: chr16-89284019-C-T. GRCh37 (hg19) VCF-style: chr16-89350427-C-T.
Other names: c.2523G>A, p.Trp841Ter (NM_001256182.2, NM_001256183.2); c.2523G>A (NM_013275.5); short protein forms W841*.
Identifiers: ClinVar variation 1341537 (VCV001341537.3), dbSNP rs2151759503, ClinGen allele CA397162217.

ClinVar aggregate classification (germline): Pathogenic. Review status: criteria provided, multiple submitters, no conflicts (2 of 4 stars). 2 submissions from 2 submitters: Pathogenic (2). Last evaluated 2025-06-01.

Conditions:
KBG syndrome (KBGS). Also called: ANKRD11-Related KBG Syndrome. Identifiers: Orphanet 2332, MedGen C0220687, MONDO:0007846, OMIM 148050.

Submissions (2):

GeneDx
Classification: Pathogenic. Last evaluated: 2025-06-01. Review status: criteria provided, single submitter. Criteria: GeneDx Variant Classification Process June 2021. Collection method: clinical testing. Allele origin: germline. Affected: yes.
Comment: Nonsense variant predicted to result in protein truncation or nonsense mediated decay in a gene for which loss of function is a known mechanism of disease; Not observed at significant frequency in large population cohorts (gnomAD); This variant is associated with the following publications: (PMID: 35682590)

Medical Cytogenetics and Molecular Genetics Laboratory, IRCCS Istituto Auxologico Italiano
Classification: Pathogenic for KBG syndrome. Last evaluated: 2021-11-01. Review status: criteria provided, single submitter. Criteria: ACMG Guidelines, 2015. Collection method: research. Allele origin: de novo. Affected: yes. Observed: 1 variant allele.